The following is an entry in ClinVar:

NM_005413.4(SIX3):c.942A>G (p.Ala314=)

Gene: SIX3 (SIX homeobox 3; plus strand). Cytogenetic location: 2p21.
Variant type: single nucleotide variant.
Coding change: c.942A>G on transcript NM_005413.4 (MANE Select); coding-DNA position 942, A replaced by G.
Protein change: p.Ala314=; no amino-acid change (alanine 314 retained).
Molecular consequence: synonymous variant.
Genome position (GRCh38, 1-based): chr2:44,944,703, A>G. VCF-style: chr2-44944703-A-G. GRCh37 (hg19) VCF-style: chr2-45171842-A-G.
Identifiers: ClinVar variation 167690 (VCV000167690.36), dbSNP rs338074, ClinGen allele CA180436.

ClinVar aggregate classification (germline): Benign. Review status: criteria provided, multiple submitters, no conflicts (2 of 4 stars). 11 submissions from 11 submitters: Benign (9). 2 of the submissions do not count toward it. Last evaluated 2026-02-03.

Conditions:
Holoprosencephaly 2 (HPE2). Identifiers: Orphanet 2162, MedGen C1834877, MONDO:0007999, OMIM 157170.

Allele frequency attached by ClinVar (database versions not stated): ExAC 0.92145; gnomAD exomes 0.92460; ESP Exome Variant Server 0.93688; 1000 Genomes Project 0.93750; gnomAD 0.93765 and 0.93956; 1000 Genomes Project 30x 0.93863; TOPMed 0.94233.
gnomAD v4.1: 1,469,448 of 1,586,652 alleles (93%); highest among the groups gnomAD compares: East Asian, 98%; 680,806 homozygotes.

Submissions (11):

Labcorp Genetics (formerly Invitae), Labcorp
Classification: Benign for Holoprosencephaly 2. Last evaluated: 2026-02-03. Review status: criteria provided, single submitter. Criteria: Invitae Variant Classification Sherloc (09022015). Collection method: clinical testing. Allele origin: germline.

ARUP Laboratories, Molecular Genetics and Genomics, ARUP Laboratories
Classification: Benign. Last evaluated: 2025-03-24. Review status: criteria provided, single submitter. Criteria: ARUP Molecular Germline Variant Investigation Process 2024. Collection method: clinical testing. Allele origin: germline.

Blueprint Genetics
Classification: Benign. Last evaluated: 2024-11-26. Review status: criteria provided, single submitter. Criteria: ACMG Guidelines, 2015. Collection method: clinical testing. Allele origin: germline.

Genome-Nilou Lab
Classification: Benign for Holoprosencephaly 2. Last evaluated: 2021-07-15. Review status: criteria provided, single submitter. Criteria: ACMG Guidelines, 2015. Collection method: clinical testing. Allele origin: germline. Affected: no.

Athena Diagnostics
Classification: Benign. Last evaluated: 2017-04-20. Review status: criteria provided, single submitter. Criteria: Athena Diagnostics Criteria. Collection method: clinical testing. Allele origin: germline.

Eurofins Ntd Llc (ga)
Classification: Benign. Last evaluated: 2015-07-07. Review status: criteria provided, single submitter. Criteria: EGL Classification Definitions 2015. Collection method: clinical testing. Allele origin: germline. Observed: 3 variant alleles, 3 homozygotes.

GeneDx
Classification: Benign. Last evaluated: 2015-03-03. Review status: criteria provided, single submitter. Criteria: GeneDx Variant Classification Process June 2021. Collection method: clinical testing. Allele origin: germline. Affected: yes.
Comment: This variant is associated with the following publications: (PMID: 32022405)

Breakthrough Genomics
Classification: Benign. Review status: criteria provided, single submitter. Criteria: ACMG Guidelines, 2015. Collection method: not provided. Allele origin: germline. Inheritance: Autosomal dominant inheritance. Affected: yes.

PreventionGenetics, part of Exact Sciences
Classification: Benign. Review status: criteria provided, single submitter. Criteria: ACMG Guidelines, 2015. Collection method: clinical testing. Allele origin: germline.

Clinical Genetics DNA and cytogenetics Diagnostics Lab, Erasmus MC, Erasmus Medical Center
Classification: Benign. Review status: no assertion criteria provided. Collection method: clinical testing. Allele origin: germline. Affected: yes. Study: VKGL Data-share Consensus. Not counted in ClinVar's aggregate classification.

Diagnostic Laboratory, Department of Genetics, University Medical Center Groningen
Classification: Benign. Review status: no assertion criteria provided. Collection method: clinical testing. Allele origin: germline. Affected: yes. Study: VKGL Data-share Consensus. Not counted in ClinVar's aggregate classification.